The following is an entry in ClinVar:

ClinVar aggregate classification (germline): Conflicting classifications of pathogenicity. Review status: criteria provided, conflicting classifications (1 of 4 stars). 4 submissions from 4 submitters: Uncertain significance (3); Likely benign (1). Last evaluated 2025-08-21.

Allele frequency attached by ClinVar (database versions not stated): gnomAD exomes 0.00001; TOPMed 0.00001; ExAC 0.00002.

Submissions (4):

Labcorp Genetics (formerly Invitae), Labcorp
Classification: Uncertain significance. Last evaluated: 2025-08-21. Review status: criteria provided, single submitter. Criteria: Invitae Variant Classification Sherloc (09022015). Collection method: clinical testing. Allele origin: germline.
Comment: This sequence change replaces arginine, which is basic and polar, with glutamine, which is neutral and polar, at codon 374 of the NOTCH3 protein (p.Arg374Gln). This variant is present in population databases (rs768208563, gnomAD 0.006%). This variant has not been reported in the literature in individuals affected with NOTCH3-related conditions. ClinVar contains an entry for this variant (Variation ID: 2054319). Invitae Evidence Modeling of protein sequence and biophysical properties (such as structural, functional, and spatial information, amino acid conservation, physicochemical variation, residue mobility, and thermodynamic stability) indicates that this missense variant is not expected to disrupt NOTCH3 protein function with a negative predictive value of 95%. In summary, the available evidence is currently insufficient to determine the role of this variant in disease. Therefore, it has been classified as a Variant of Uncertain Significance.

Athena Diagnostics
Classification: Uncertain significance. Last evaluated: 2025-06-17. Review status: criteria provided, single submitter. Criteria: Athena Diagnostics Criteria. Collection method: clinical testing. Allele origin: unknown.
Comment: Available data are insufficient to determine the clinical significance of the variant at this time. The frequency of this variant in the general population is higher than would generally be expected for pathogenic variants in this gene. Polyphen and MutationTaster yielded discordant predictions regarding whether this amino acid change is damaging to the protein.

Women's Health and Genetics/Laboratory Corporation of America, LabCorp
Classification: Uncertain significance. Last evaluated: 2024-04-16. Review status: criteria provided, single submitter. Criteria: LabCorp Variant Classification Summary - May 2015. Collection method: clinical testing. Allele origin: germline.
Comment: Variant summary: NOTCH3 c.1121G>A (p.Arg374Gln) results in a conservative amino acid change located in the EGF-like domain (IPR000742) of the encoded protein sequence. Four of five in-silico tools predict a benign effect of the variant on protein function. The variant allele was found at a frequency of 1.6e-05 in 251294 control chromosomes. The available data on variant occurrences in the general population are insufficient to allow any conclusion about variant significance. To our knowledge, no occurrence of c.1121G>A in individuals affected with NOTCH3-Related Disorders and no experimental evidence demonstrating its impact on protein function have been reported. ClinVar contains an entry for this variant (Variation ID: 2054319). Based on the evidence outlined above, the variant was classified as uncertain significance.

CeGaT Center for Human Genetics Tuebingen
Classification: Likely benign. Last evaluated: 2024-01-01. Review status: criteria provided, single submitter. Criteria: CeGaT Center For Human Genetics Tuebingen Variant Classification Criteria Version 2. Collection method: clinical testing. Allele origin: germline. Affected: yes. Observed: 1 variant allele.
Comment: NOTCH3: BP4

NM_000435.3(NOTCH3):c.1121G>A (p.Arg374Gln)

Gene: NOTCH3 (notch receptor 3; minus strand). Cytogenetic location: 19p13.12.
Variant type: single nucleotide variant.
Coding change: c.1121G>A on transcript NM_000435.3 (MANE Select); coding-DNA position 1121, G replaced by A.
Protein change: p.Arg374Gln; replaces arginine 374 with glutamine.
Molecular consequence: missense variant.
Genome position (GRCh38, 1-based): chr19:15,189,344, C>T on the plus strand (G>A on the coding strand, the complement: NOTCH3 is on the minus strand). VCF-style: chr19-15189344-C-T. GRCh37 (hg19) VCF-style: chr19-15300155-C-T.
Other names: c.1121G>A (NM_000435.2); short protein forms R374Q.
Identifiers: ClinVar variation 2054319 (VCV002054319.26), dbSNP rs768208563, ClinGen allele CA9263711.